The following is an entry in ClinVar:

NM_005883.3(APC2):c.4016A>C (p.Glu1339Ala)

Gene: APC2 (APC regulator of Wnt signaling pathway 2; plus strand). Cytogenetic location: 19p13.3.
Variant type: single nucleotide variant.
Coding change: c.4016A>C on transcript NM_005883.3 (MANE Select); coding-DNA position 4016, A replaced by C.
Protein change: p.Glu1339Ala; replaces glutamic acid 1339 with alanine.
Molecular consequence: missense variant.
Genome position (GRCh38, 1-based): chr19:1,467,317, A>C. VCF-style: chr19-1467317-A-C. GRCh37 (hg19) VCF-style: chr19-1467316-A-C.
Other names: c.4013A>C, p.Glu1338Ala (NM_001351273.1); short protein forms E1339A, E1338A.
Identifiers: ClinVar variation 2081100 (VCV002081100.4), dbSNP rs2512528144, ClinGen allele CA403033968.

ClinVar aggregate classification (germline): Uncertain significance (1 of 4 stars; one submission).

Submission:

Labcorp Genetics (formerly Invitae), Labcorp
Classification: Uncertain significance. Last evaluated: 2022-06-26. Review status: criteria provided, single submitter. Criteria: Invitae Variant Classification Sherloc (09022015). Collection method: clinical testing. Allele origin: germline.
Comment: In summary, the available evidence is currently insufficient to determine the role of this variant in disease. Therefore, it has been classified as a Variant of Uncertain Significance. Algorithms developed to predict the effect of missense changes on protein structure and function (SIFT, PolyPhen-2, Align-GVGD) all suggest that this variant is likely to be disruptive. This variant has not been reported in the literature in individuals affected with APC2-related conditions. This variant is not present in population databases (gnomAD no frequency). This sequence change replaces glutamic acid, which is acidic and polar, with alanine, which is neutral and non-polar, at codon 1339 of the APC2 protein (p.Glu1339Ala).